The following is an entry in ClinVar:

ClinVar aggregate classification (germline): Uncertain significance (1 of 4 stars; one submission).

Conditions:
Hereditary spastic paraplegia 11. Also called: Spastic paraplegia, mental retardation and thin corpus callosum; SPASTIC PARAPLEGIA, AUTOSOMAL RECESSIVE, COMPLICATED, WITH THIN CORPUS CALLOSUM; SPASTIC PARAPLEGIA, AUTOSOMAL RECESSIVE, WITH MENTAL IMPAIRMENT AND THIN CORPUS CALLOSUM; Nakamura Osame syndrome; Autosomal recessive hereditary spastic paraplegia, mental impairment, and thin corpus callosum; Spastic Paraplegia 11. Identifiers: Orphanet 2822, MedGen C1858479, MONDO:0011445, OMIM 604360.

Submission:

Labcorp Genetics (formerly Invitae), Labcorp
Classification: Uncertain significance for Hereditary spastic paraplegia 11. Last evaluated: 2018-02-07. Review status: criteria provided, single submitter. Criteria: Invitae Variant Classification Sherloc (09022015). Collection method: clinical testing. Allele origin: germline.
Comment: This variant has not been reported in the literature in individuals with SPG11-related disease. Algorithms developed to predict the effect of missense changes on protein structure and function do not agree on the potential impact of this missense change (SIFT: "Deleterious"; PolyPhen-2: "Probably Damaging"; Align-GVGD: "Class C0"). In summary, the available evidence is currently insufficient to determine the role of this variant in disease. Therefore, it has been classified as a Variant of Uncertain Significance. This variant is not present in population databases (ExAC no frequency). This sequence change replaces serine with isoleucine at codon 56 of the SPG11 protein (p.Ser56Ile). The serine residue is moderately conserved and there is a large physicochemical difference between serine and isoleucine.

NM_025137.4(SPG11):c.167G>T (p.Ser56Ile)

Gene: SPG11 (SPG11 vesicle trafficking associated, spatacsin; minus strand). Cytogenetic location: 15q21.1.
Variant type: single nucleotide variant.
Coding change: c.167G>T on transcript NM_025137.4 (MANE Select); coding-DNA position 167, G replaced by T.
Protein change: p.Ser56Ile; replaces serine 56 with isoleucine.
Molecular consequence: missense variant.
Genome position (GRCh38, 1-based): chr15:44,663,481, C>A on the plus strand (G>T on the coding strand, the complement: SPG11 is on the minus strand). VCF-style: chr15-44663481-C-A. GRCh37 (hg19) VCF-style: chr15-44955679-C-A.
Other names: c.167G>T, p.Ser56Ile (NM_001160227.2); short protein forms S56I.
Identifiers: ClinVar variation 573801 (VCV000573801.8), dbSNP rs1566838366, ClinGen allele CA392238652.